The following is an entry in ClinVar:

ClinVar aggregate classification (germline): Uncertain significance. Review status: criteria provided, multiple submitters, no conflicts (2 of 4 stars). 3 submissions from 3 submitters: Uncertain significance (3). Last evaluated 2024-10-26.

Conditions:
Fraser syndrome 3. Identifiers: MedGen C4540040, MONDO:0054739, OMIM 617667.

Allele frequency attached by ClinVar (database versions not stated): gnomAD exomes below 0.00001.
gnomAD v4.1: 6 of 1,576,190 alleles (0.00038%); highest among the groups gnomAD compares: Non-Finnish European, 0.00044%; no homozygotes.

Submissions (3):

Labcorp Genetics (formerly Invitae), Labcorp
Classification: Uncertain significance. Last evaluated: 2024-10-26. Review status: criteria provided, single submitter. Criteria: Invitae Variant Classification Sherloc (09022015). Collection method: clinical testing. Allele origin: germline.
Comment: This sequence change replaces lysine, which is basic and polar, with asparagine, which is neutral and polar, at codon 543 of the GRIP1 protein (p.Lys543Asn). This variant is not present in population databases (gnomAD no frequency). This variant has not been reported in the literature in individuals affected with GRIP1-related conditions. ClinVar contains an entry for this variant (Variation ID: 1696374). Invitae Evidence Modeling of protein sequence and biophysical properties (such as structural, functional, and spatial information, amino acid conservation, physicochemical variation, residue mobility, and thermodynamic stability) has been performed for this missense variant. However, the output from this modeling did not meet the statistical confidence thresholds required to predict the impact of this variant on GRIP1 protein function. In summary, the available evidence is currently insufficient to determine the role of this variant in disease. Therefore, it has been classified as a Variant of Uncertain Significance.

Women's Health and Genetics/Laboratory Corporation of America, LabCorp
Classification: Uncertain significance. Last evaluated: 2022-05-03. Review status: criteria provided, single submitter. Criteria: LabCorp Variant Classification Summary - May 2015. Collection method: clinical testing. Allele origin: germline.

Fulgent Genetics
Classification: Uncertain significance for Fraser syndrome 3. Last evaluated: 2021-11-15. Review status: criteria provided, single submitter. Criteria: ACMG Guidelines, 2015. Collection method: clinical testing. Allele origin: unknown.

NM_001366722.1(GRIP1):c.1785A>C (p.Lys595Asn)

Gene: GRIP1 (glutamate receptor interacting protein 1; minus strand). Cytogenetic location: 12q14.3.
Variant type: single nucleotide variant.
Coding change: c.1785A>C on transcript NM_001366722.1 (MANE Select); coding-DNA position 1785, A replaced by C.
Protein change: p.Lys595Asn; replaces lysine 595 with asparagine.
Molecular consequence: missense variant.
Genome position (GRCh38, 1-based): chr12:66,420,773, T>G on the plus strand (A>C on the coding strand, the complement: GRIP1 is on the minus strand). VCF-style: chr12-66420773-T-G. GRCh37 (hg19) VCF-style: chr12-66814553-T-G.
Other names: c.1629A>C, p.Lys543Asn (NM_001178074.2, NM_001379351.1, NM_021150.4); c.1704A>C, p.Lys568Asn (NM_001366723.1, NM_001379348.1); c.1707A>C, p.Lys569Asn (NM_001366724.1, NM_001379347.1); c.1863A>C, p.Lys621Asn (NM_001379345.1); c.1785A>C, p.Lys595Asn (NM_001379346.1); c.1632A>C, p.Lys544Asn (NM_001379349.1); short protein forms K543N, K544N, K568N, K569N, K595N, K621N.
Identifiers: ClinVar variation 1696374 (VCV001696374.7), dbSNP rs1565721288, ClinGen allele CA385619629.
Genomic context (GRCh38, chr12:66,420,773, plus strand): 5'-TCCTTACCTGTGTGCCACACTCCCTTTCTTGATATCTGAAATGACGAGGGGGTCTCCTGG[T>G]TTTCTACTGGATGGTGCTGTAATAATGGAGATAGAATAATCACATCTTTATATCCATTAT-3'
Protein context (NP_001353651.1, residues 585-605): GITISSPSSR[Lys595Asn]PGDPLVISDI